The following is an entry in ClinVar:

ClinVar aggregate classification (germline): Conflicting classifications of pathogenicity. Review status: criteria provided, conflicting classifications (1 of 4 stars). 2 submissions from 2 submitters: Pathogenic (1); Uncertain significance (1). Last evaluated 2026-04-27.

Conditions:
Neurodegeneration, infantile-onset, biotin-responsive. Also called: SODIUM-DEPENDENT MULTIVITAMIN TRANSPORTER DEFICIENCY; SMVT DEFICIENCY. Identifiers: Orphanet 521268, MedGen C5436520, MONDO:0033546, OMIM 618973.

Allele frequency attached by ClinVar (database versions not stated): gnomAD exomes below 0.00001 and 0.00001; ExAC 0.00001; gnomAD 0.00001; TOPMed 0.00001.
gnomAD v4.1: 8 of 1,613,954 alleles (0.0005%); highest among the groups gnomAD compares: Non-Finnish European, 0.00068%; no homozygotes.

Submissions (2):

Stanford Starfish Project, Stanford University
Classification: Pathogenic for Neurodegeneration, infantile-onset, biotin-responsive. Last evaluated: 2026-04-27. Review status: criteria provided, single submitter. Criteria: ACMG Guidelines, 2015. Collection method: provider interpretation. Allele origin: maternal. Inheritance: Autosomal recessive inheritance. Affected: yes. Observed: 1 variant allele, 1 compound heterozygote.
Comment: This variant is predicted to result in the substitution of proline with leucine at amino acid 437 (p.Pro437Leu). In silico analysis supports that this missense variant has a deleterious effect on the protein. This variant is rare in large population databases with an allele frequency of 0.000006780 in European populations. See Observation 1 for details on clinical features. Variant confirmed to be in trans with pathogenic SLC5A6 variant (c.182T>A, p.Met61Lys).

GeneDx
Classification: Uncertain significance. Last evaluated: 2021-01-18. Review status: criteria provided, single submitter. Criteria: GeneDx Variant Classification Process June 2021. Collection method: clinical testing. Allele origin: germline. Affected: yes.
Comment: Not observed at a significant frequency in large population cohorts (Lek et al., 2016); In silico analysis supports that this missense variant has a deleterious effect on protein structure/function; Has not been previously published as pathogenic or benign to our knowledge

NM_021095.4(SLC5A6):c.1310C>T (p.Pro437Leu)

Gene: SLC5A6 (solute carrier family 5 member 6; minus strand). Cytogenetic location: 2p23.3.
Variant type: single nucleotide variant.
Coding change: c.1310C>T on transcript NM_021095.4 (MANE Select); coding-DNA position 1310, C replaced by T.
Protein change: p.Pro437Leu; replaces proline 437 with leucine.
Molecular consequence: missense variant. On other transcripts: non-coding transcript variant (1).
Genome position (GRCh38, 1-based): chr2:27,202,040, G>A on the plus strand (C>T on the coding strand, the complement: SLC5A6 is on the minus strand). VCF-style: chr2-27202040-G-A. GRCh37 (hg19) VCF-style: chr2-27424908-G-A.
Other names: short protein forms P437L.
Identifiers: ClinVar variation 1316087 (VCV001316087.2), dbSNP rs763611646, ClinGen allele CA1571508.